The following is an entry in ClinVar:

NM_000535.7(PMS2):c.2020G>T (p.Ala674Ser)

Gene: PMS2 (PMS1 homolog 2, mismatch repair system component; minus strand). Cytogenetic location: 7p22.1.
Variant type: single nucleotide variant.
Coding change: c.2020G>T on transcript NM_000535.7 (MANE Select); coding-DNA position 2020, G replaced by T.
Protein change: p.Ala674Ser; replaces alanine 674 with serine.
Molecular consequence: missense variant. On other transcripts: non-coding transcript variant (1), intron variant (4).
Genome position (GRCh38, 1-based): chr7:5,982,978, C>A on the plus strand (G>T on the coding strand, the complement: PMS2 is on the minus strand). VCF-style: chr7-5982978-C-A. GRCh37 (hg19) VCF-style: chr7-6022609-C-A.
Other names: c.1615G>T, p.Ala539Ser (NM_001322003.2, NM_001322004.2, NM_001322005.2 and 14 more transcripts); c.1864G>T, p.Ala622Ser (NM_001322006.2, NM_001406870.1); c.1702G>T, p.Ala568Ser (NM_001322007.2, NM_001322008.2, NM_001406876.1 and 1 more transcripts); c.1459G>T, p.Ala487Ser (NM_001322010.2, NM_001406906.1, NM_001406907.1); c.1087G>T, p.Ala363Ser (NM_001322011.2, NM_001322012.2); c.1447G>T, p.Ala483Ser (NM_001322013.2, NM_001406909.1); c.2020G>T, p.Ala674Ser (NM_001322014.2, NM_001406871.1); c.1711G>T, p.Ala571Ser (NM_001322015.2, NM_001406875.1, NM_001406877.1 and 5 more transcripts); and 16 more; short protein forms A503S, A516S, A568S, A571S, A618S, A674S, A519S, A552S.
Identifiers: ClinVar variation 3890964 (VCV003890964.1).

ClinVar aggregate classification (germline): Uncertain significance (1 of 4 stars; one submission).

Conditions:
Hereditary cancer-predisposing syndrome. Also called: Tumor predisposition; Neoplastic Syndromes, Hereditary; Hereditary Cancer Syndrome; Hereditary neoplastic syndrome. Identifiers: Orphanet 140162, MedGen C0027672, MeSH D009386, MONDO:0015356.

Submission:

Ambry Genetics
Classification: Uncertain significance for Hereditary cancer-predisposing syndrome. Last evaluated: 2024-12-12. Review status: criteria provided, single submitter. Criteria: Ambry Variant Classification Scheme 2023. Collection method: clinical testing. Allele origin: germline.
Comment: The p.A674S variant (also known as c.2020G>T), located in coding exon 12 of the PMS2 gene, results from a G to T substitution at nucleotide position 2020. The alanine at codon 674 is replaced by serine, an amino acid with similar properties. This amino acid position is conserved. In addition, the in silico prediction for this alteration is inconclusive. Based on the available evidence, the clinical significance of this variant remains unclear.